The following is an entry in ClinVar:

ClinVar aggregate classification (germline): Uncertain significance. Review status: criteria provided, single submitter (1 of 4 stars). 2 submissions from 2 submitters: Uncertain significance (1). 1 of the submissions does not count toward it. Last evaluated 2025-06-05.

Conditions:
Intellectual developmental disorder, autosomal dominant 1. Also called: MBD5 Haploinsufficiency; Intellectual disability, autosomal dominant 1. Identifiers: Orphanet 228402, MedGen C1969562, MONDO:0007974, OMIM 156200.
MBD5-related disorder. Also called: MBD5-related condition.

gnomAD v4.1: 2 of 1,613,724 alleles (0.00012%); highest among the groups gnomAD compares: South Asian, 0.0011%; no homozygotes.

Submissions (2):

Labcorp Genetics (formerly Invitae), Labcorp
Classification: Uncertain significance for Intellectual developmental disorder, autosomal dominant 1. Last evaluated: 2025-06-05. Review status: criteria provided, single submitter. Criteria: Invitae Variant Classification Sherloc (09022015). Collection method: clinical testing. Allele origin: germline.
Comment: This sequence change replaces proline, which is neutral and non-polar, with alanine, which is neutral and non-polar, at codon 339 of the MBD5 protein (p.Pro339Ala). This variant is not present in population databases (gnomAD no frequency). This variant has not been reported in the literature in individuals affected with MBD5-related conditions. ClinVar contains an entry for this variant (Variation ID: 3357516). Invitae Evidence Modeling of protein sequence and biophysical properties (such as structural, functional, and spatial information, amino acid conservation, physicochemical variation, residue mobility, and thermodynamic stability) indicates that this missense variant is not expected to disrupt MBD5 protein function with a negative predictive value of 80%. In summary, the available evidence is currently insufficient to determine the role of this variant in disease. Therefore, it has been classified as a Variant of Uncertain Significance.

PreventionGenetics, part of Exact Sciences
Classification: Uncertain significance for MBD5-related condition. Last evaluated: 2024-06-28. Review status: no assertion criteria provided. Collection method: clinical testing. Allele origin: germline. Not counted in ClinVar's aggregate classification.
Comment: The MBD5 c.1015C>G variant is predicted to result in the amino acid substitution p.Pro339Ala. To our knowledge, this variant has not been reported in the literature or in a large population database, indicating this variant is rare. At this time, the clinical significance of this variant is uncertain due to the absence of conclusive functional and genetic evidence.

NM_001378120.1(MBD5):c.1015C>G (p.Pro339Ala)

Gene: MBD5 (methyl-CpG binding domain protein 5; plus strand). Cytogenetic location: 2q23.1.
Variant type: single nucleotide variant.
Coding change: c.1015C>G on transcript NM_001378120.1 (MANE Select); coding-DNA position 1015, C replaced by G.
Protein change: p.Pro339Ala; replaces proline 339 with alanine.
Molecular consequence: missense variant.
Genome position (GRCh38, 1-based): chr2:148,468,958, C>G. VCF-style: chr2-148468958-C-G. GRCh37 (hg19) VCF-style: chr2-149226527-C-G.
Other names: c.1015C>G, p.Pro339Ala (NM_018328.5); short protein forms P339A.
Identifiers: ClinVar variation 3357516 (VCV003357516.2).